The following is an entry in ClinVar:

NM_001607.4(ACAA1):c.255C>T (p.Asp85=)

Gene: ACAA1 (acetyl-CoA acyltransferase 1; minus strand). Cytogenetic location: 3p22.2.
Variant type: single nucleotide variant.
Coding change: c.255C>T on transcript NM_001607.4 (MANE Select); coding-DNA position 255, C replaced by T.
Protein change: p.Asp85=; no amino-acid change (aspartic acid 85 retained).
Molecular consequence: synonymous variant. On other transcripts: non-coding transcript variant (1).
Genome position (GRCh38, 1-based): chr3:38,136,602, G>A on the plus strand (C>T on the coding strand, the complement: ACAA1 is on the minus strand). VCF-style: chr3-38136602-G-A. GRCh37 (hg19) VCF-style: chr3-38178093-G-A.
Other names: c.255C>T, p.Asp85= (NM_001130410.2).
Identifiers: ClinVar variation 3057974 (VCV003057974.2), dbSNP rs151286491, ClinGen allele CA2315915.

ClinVar aggregate classification (germline): Likely benign (0 of 4 stars; one submission).

Conditions:
ACAA1-related disorder. Also called: ACAA1-related condition.

Allele frequency attached by ClinVar (database versions not stated): ExAC 0.00017; TOPMed 0.00021; gnomAD 0.00023; ESP Exome Variant Server 0.00031; gnomAD exomes 0.00031.

Submission:

PreventionGenetics, part of Exact Sciences
Classification: Likely benign for ACAA1-related condition. Last evaluated: 2019-03-28. Review status: no assertion criteria provided. Collection method: clinical testing. Allele origin: germline.
Comment: This variant is classified as likely benign based on ACMG/AMP sequence variant interpretation guidelines (Richards et al. 2015 PMID: 25741868, with internal and published modifications).